The following is an entry in ClinVar:

ClinVar aggregate classification (germline): Pathogenic (1 of 4 stars; one submission).

Conditions:
Developmental delay with hypotonia, myopathy, and brain abnormalities (DEDHMB). Identifiers: MedGen C5830270, MONDO:0859375, OMIM 620240.

Submission:

3billion
Classification: Pathogenic for Developmental delay with hypotonia, myopathy, and brain abnormalities. Last evaluated: 2024-03-12. Review status: criteria provided, single submitter. Criteria: ACMG Guidelines, 2015. Collection method: clinical testing. Allele origin: germline. Affected: yes.
Comment: The variant is not observed in the gnomAD v2.1.1 dataset. Predicted Consequence/Location: Frameshift: predicted to result in a loss or disruption of normal protein function through nonsense-mediated decay (NMD) or protein truncation. Multiple pathogenic variants are reported downstream of the variant. Therefore, this variant is classified as Pathogenic according to the recommendation of ACMG/AMP guideline.

NM_001366244.2(GOLGA2):c.2054_2057del (p.Lys685fs)

Gene: GOLGA2 (golgin A2; minus strand). Cytogenetic location: 9q34.11.
Variant type: Deletion.
Coding change: c.2054_2057del on transcript NM_001366244.2 (MANE Select); coding-DNA positions 2054 to 2057, 4 bases deleted (AAGC; older notation c.2054_2057delAAGC).
Protein change: p.Lys685fs; shifts the reading frame from lysine 685.
Molecular consequence: frameshift variant.
Genome position (GRCh38, 1-based): chr9:128,259,207-128,259,210, GCTT deleted on the plus strand (AAGC on the coding strand, the reverse complement: GOLGA2 is on the minus strand). VCF-style (leftmost placement, unchanged base first): chr9-128259206-CGCTT-C. GRCh37 (hg19) VCF-style: chr9-131021485-CGCTT-C.
Other names: c.1973_1976del, p.Lys658fs (NM_001366246.2, NM_004486.6); c.2039_2042del, p.Lys680fs (NM_001389695.2); c.2036_2039del, p.Lys679fs (NM_001389696.2); c.1961_1964del, p.Lys654fs (NM_001389697.2); c.1955_1958del, p.Lys652fs (NM_001389698.2); c.1934_1937del, p.Lys645fs (NM_001389699.2, NM_001389700.2); c.1892_1895del, p.Lys631fs (NM_001389701.2); c.1868_1871del, p.Lys623fs (NM_001389702.2); and 3 more; short protein forms K527fs, K534fs, K618fs, K623fs, K631fs, K645fs, K652fs, K654fs.
Identifiers: ClinVar variation 3775938 (VCV003775938.1).